The following is an entry in ClinVar:

NM_001457.4(FLNB):c.5317A>G (p.Thr1773Ala)

Gene: FLNB (filamin B; plus strand). Cytogenetic location: 3p14.3.
Variant type: single nucleotide variant.
Coding change: c.5317A>G on transcript NM_001457.4 (MANE Select); coding-DNA position 5317, A replaced by G.
Protein change: p.Thr1773Ala; replaces threonine 1773 with alanine.
Molecular consequence: missense variant.
Genome position (GRCh38, 1-based): chr3:58,143,505, A>G. VCF-style: chr3-58143505-A-G. GRCh37 (hg19) VCF-style: chr3-58129232-A-G.
Other names: c.5410A>G, p.Thr1804Ala (NM_001164317.2); c.5284A>G, p.Thr1762Ala (NM_001164318.2); c.5245A>G, p.Thr1749Ala (NM_001164319.2); c.5317A>G (NM_001457.3); short protein forms T1762A, T1804A, T1749A, T1773A.
Identifiers: ClinVar variation 1923672 (VCV001923672.6), dbSNP rs369688883, ClinGen allele CA75465578.

ClinVar aggregate classification (germline): Uncertain significance. Review status: criteria provided, multiple submitters, no conflicts (2 of 4 stars). 2 submissions from 2 submitters: Uncertain significance (2). Last evaluated 2026-02-11.

Conditions:
FLNB-related disorder. Also called: FLNB-related condition; FLNB-related disorders. Identifiers: MedGen CN381095.

Allele frequency attached by ClinVar (database versions not stated): gnomAD 0.00001; gnomAD exomes 0.00001; TOPMed 0.00001; ESP Exome Variant Server 0.00008.

Submissions (2):

PreventionGenetics, part of Exact Sciences
Classification: Uncertain significance for FLNB-related condition. Last evaluated: 2026-02-11. Review status: criteria provided, single submitter. Criteria: ACMG Guidelines, 2015. Collection method: clinical testing. Allele origin: germline.
Comment: The FLNB c.5317A>G variant is predicted to result in the amino acid substitution p.Thr1773Ala. To our knowledge, this variant has not been reported in the literature or in a large population database (gnomAD), indicating this variant is rare. At this time, the clinical significance of this variant is uncertain due to the absence of conclusive functional and genetic evidence.

Labcorp Genetics (formerly Invitae), Labcorp
Classification: Uncertain significance. Last evaluated: 2025-08-24. Review status: criteria provided, single submitter. Criteria: Invitae Variant Classification Sherloc (09022015). Collection method: clinical testing. Allele origin: germline.
Comment: This sequence change replaces threonine, which is neutral and polar, with alanine, which is neutral and non-polar, at codon 1773 of the FLNB protein (p.Thr1773Ala). This variant is not present in population databases (gnomAD no frequency). This variant has not been reported in the literature in individuals affected with FLNB-related conditions. ClinVar contains an entry for this variant (Variation ID: 1923672). Invitae Evidence Modeling of protein sequence and biophysical properties (such as structural, functional, and spatial information, amino acid conservation, physicochemical variation, residue mobility, and thermodynamic stability) indicates that this missense variant is not expected to disrupt FLNB protein function with a negative predictive value of 95%. In summary, the available evidence is currently insufficient to determine the role of this variant in disease. Therefore, it has been classified as a Variant of Uncertain Significance.